The following is an entry in ClinVar:

ClinVar aggregate classification (germline): Uncertain significance (1 of 4 stars; one submission).

Allele frequency attached by ClinVar (database versions not stated): gnomAD exomes 0.00001; ExAC 0.00002; ESP Exome Variant Server 0.00008; TOPMed below 0.00001; gnomAD 0.00001.

Submission:

Labcorp Genetics (formerly Invitae), Labcorp
Classification: Uncertain significance. Last evaluated: 2024-01-15. Review status: criteria provided, single submitter. Criteria: Invitae Variant Classification Sherloc (09022015). Collection method: clinical testing. Allele origin: germline.
Comment: This sequence change creates a premature translational stop signal (p.Arg888Glyfs*4) in the GUCY2C gene. It is expected to result in an absent or disrupted protein product. However, the current clinical and genetic evidence is not sufficient to establish whether loss-of-function variants in GUCY2C cause disease. This variant is present in population databases (rs764325331, gnomAD 0.003%). This variant has not been reported in the literature in individuals affected with GUCY2C-related conditions. ClinVar contains an entry for this variant (Variation ID: 1921149). Algorithms developed to predict the effect of sequence changes on RNA splicing suggest that this variant may disrupt the consensus splice site. In summary, the available evidence is currently insufficient to determine the role of this variant in disease. Therefore, it has been classified as a Variant of Uncertain Significance.

NM_004963.4(GUCY2C):c.2662del (p.Arg888fs)

Gene: GUCY2C (guanylate cyclase 2C; minus strand). Cytogenetic location: 12p12.3.
Variant type: Deletion.
Coding change: c.2662del on transcript NM_004963.4 (MANE Select); coding-DNA position 2662, one base deleted (C; older notation c.2662delC).
Protein change: p.Arg888fs; shifts the reading frame from arginine 888.
Molecular consequence: frameshift variant.
Genome position (GRCh38, 1-based): chr12:14,621,156, G deleted on the plus strand (C on the coding strand, the reverse complement: GUCY2C is on the minus strand). VCF-style (leftmost placement, unchanged base first): chr12-14621155-CG-C. GRCh37 (hg19) VCF-style: chr12-14774089-CG-C.
Other names: short protein forms R888fs.
Identifiers: ClinVar variation 1921149 (VCV001921149.5), dbSNP rs764325331, ClinGen allele CA6463017.
Genomic context (GRCh38, chr12:14,621,155, plus strand): 5'-TCAAAGGTCCCCATGAAGCTGAGGATTTCCAAGGCCATCTTGGCAATGTCTATTGCATGC[CG>C]ATTGCCATTTCTCTTAGGCAAACCACTAGCCACCATGTACGCATCACCGATGGTTTCCAC-3'